The following is an entry in ClinVar:

NM_000719.7(CACNA1C):c.3812T>C (p.Ile1271Thr)

Gene: CACNA1C (calcium voltage-gated channel subunit alpha1 C; plus strand). Cytogenetic location: 12p13.33.
Variant type: single nucleotide variant.
Coding change: c.3812T>C on transcript NM_000719.7 (MANE Select); coding-DNA position 3812, T replaced by C.
Protein change: p.Ile1271Thr; replaces isoleucine 1271 with threonine.
Molecular consequence: missense variant.
Genome position (GRCh38, 1-based): chr12:2,611,997, T>C. VCF-style: chr12-2611997-T-C. GRCh37 (hg19) VCF-style: chr12-2721163-T-C.
Other names: c.3872T>C, p.Ile1291Thr (NM_001129827.2, NM_001129832.2, NM_199460.4); c.3812T>C, p.Ile1271Thr (NM_001129829.2, NM_001129830.3, NM_001129831.2 and 15 more transcripts); c.3803T>C, p.Ile1268Thr (NM_001129844.2); short protein forms I1268T, I1271T, I1291T.
Identifiers: ClinVar variation 979206 (VCV000979206.4), dbSNP rs2078042038, ClinGen allele CA383377449.

ClinVar aggregate classification (germline): Uncertain significance. Review status: criteria provided, multiple submitters, no conflicts (2 of 4 stars). 2 submissions from 2 submitters: Uncertain significance (2). Last evaluated 2024-02-23.

Conditions:
Long QT syndrome (LQTS). Identifiers: MedGen C0023976, MeSH D008133, MONDO:0002442. Disease mechanism: loss of function. Inheritance: Various modes of inheritance.
Long QT syndrome 8. Identifiers: MedGen CN260585, MONDO:0032756, OMIM 618447.

Allele frequency attached by ClinVar (database versions not stated): gnomAD exomes below 0.00001.
gnomAD v4.1: 3 of 1,607,794 alleles (0.00019%); highest among the groups gnomAD compares: Non-Finnish European, 0.00026%; no homozygotes.

Submissions (2):

Labcorp Genetics (formerly Invitae), Labcorp
Classification: Uncertain significance for Long QT syndrome. Last evaluated: 2024-02-23. Review status: criteria provided, single submitter. Criteria: Invitae Variant Classification Sherloc (09022015). Collection method: clinical testing. Allele origin: germline.
Comment: This sequence change replaces isoleucine, which is neutral and non-polar, with threonine, which is neutral and polar, at codon 1271 of the CACNA1C protein (p.Ile1271Thr). This variant is not present in population databases (gnomAD no frequency). This variant has not been reported in the literature in individuals affected with CACNA1C-related conditions. ClinVar contains an entry for this variant (Variation ID: 979206). Advanced modeling of protein sequence and biophysical properties (such as structural, functional, and spatial information, amino acid conservation, physicochemical variation, residue mobility, and thermodynamic stability) has been performed at Invitae for this missense variant, however the output from this modeling did not meet the statistical confidence thresholds required to predict the impact of this variant on CACNA1C protein function. In summary, the available evidence is currently insufficient to determine the role of this variant in disease. Therefore, it has been classified as a Variant of Uncertain Significance.

MVZ Martinsried, Medicover Genetics
Classification: Uncertain significance for Long QT syndrome 8. Last evaluated: 2020-09-05. Review status: criteria provided, single submitter. Criteria: ACGS Guidelines, 2020. Collection method: clinical testing. Allele origin: unknown. Affected: yes.